The following is an entry in ClinVar:

ClinVar aggregate classification (germline): Uncertain significance (1 of 4 stars; one submission).

Submission:

GeneDx
Classification: Uncertain significance. Last evaluated: 2023-03-01. Review status: criteria provided, single submitter. Criteria: GeneDx Variant Classification Process June 2021. Collection method: clinical testing. Allele origin: germline. Affected: yes.
Comment: Not observed in large population cohorts (gnomAD); In silico analysis, which includes protein predictors and evolutionary conservation, supports a deleterious effect; Has not been previously published as pathogenic or benign to our knowledge; This variant is associated with the following publications: (PMID: 25641508)

NM_001278116.2(L1CAM):c.769G>A (p.Gly257Arg)

Gene: L1CAM (L1 cell adhesion molecule; minus strand). Cytogenetic location: Xq28.
Variant type: single nucleotide variant.
Coding change: c.769G>A on transcript NM_001278116.2 (MANE Select); coding-DNA position 769, G replaced by A.
Protein change: p.Gly257Arg; replaces glycine 257 with arginine.
Molecular consequence: missense variant.
Genome position (GRCh38, 1-based): chrX:153,870,425, C>T on the plus strand (G>A on the coding strand, the complement: L1CAM is on the minus strand). VCF-style: chrX-153870425-C-T. GRCh37 (hg19) VCF-style: chrX-153135880-C-T.
Other names: c.769G>A, p.Gly257Arg (NM_000425.5, NM_024003.3); c.754G>A, p.Gly252Arg (NM_001143963.2); short protein forms G252R, G257R.
Identifiers: ClinVar variation 1307929 (VCV001307929.2), dbSNP rs2148498281, ClinGen allele CA415133135.
Genomic context (GRCh38, chrX:153,870,425, plus strand): 5'-CTGCCCTGGGTTCCCAGACTCACAAGCCCTCGGCGATGCACTCCAGGACCAATGGCTGCC[C>T]CTGCAAGGCCACCAGGTGGCTGCTGGAGTTGGTGGGGAAGAGCAGGCGCGGCTTCCTGTC-3'
Protein context (NP_001265045.1, residues 247-267): NSSSHLVALQ[Gly257Arg]QPLVLECIAE